The following is an entry in ClinVar:

NM_000383.4(AIRE):c.637C>T (p.Gln213Ter)

Gene: AIRE (autoimmune regulator; plus strand). Cytogenetic location: 21q22.3.
Variant type: single nucleotide variant.
Coding change: c.637C>T on transcript NM_000383.4 (MANE Select); coding-DNA position 637, C replaced by T.
Protein change: p.Gln213Ter; replaces glutamine 213 with a stop codon.
Molecular consequence: nonsense.
Genome position (GRCh38, 1-based): chr21:44,288,443, C>T. VCF-style: chr21-44288443-C-T. GRCh37 (hg19) VCF-style: chr21-45708326-C-T.
Other names: short protein forms Q213*.
Identifiers: ClinVar variation 983805 (VCV000983805.3), dbSNP rs1029475010, ClinGen allele CA321788311.
Genomic context (GRCh38, chr21:44,288,443, plus strand): 5'-GCCATGTCCTCCGGGGACGTCCCGGGAGCCCGAGGGGCCGTGGAGGGGATCCTCATCCAG[C>T]AGGTGTTTGAGTCAGGTAGACGCTGTGGCGGGGAGATGGGGCTGATGGGGAGACCCAGGC-3'

ClinVar aggregate classification (germline): Likely pathogenic (1 of 4 stars; one submission).

Conditions:
Polyglandular autoimmune syndrome, type 1 (APS1). Also called: AUTOIMMUNE POLYENDOCRINE SYNDROME, TYPE I, WITH OR WITHOUT REVERSIBLE METAPHYSEAL DYSPLASIA; APS I; HYPOADRENOCORTICISM WITH HYPOPARATHYROIDISM AND SUPERFICIAL MONILIASIS; PGA I; Whitaker syndrome; Autoimmune polyendocrinopathy syndrome, type I. Identifiers: Orphanet 3453, MedGen C0085859, MONDO:0009411, OMIM 240300.

Allele frequency attached by ClinVar (database versions not stated): TOPMed below 0.00001; gnomAD 0.00001.
gnomAD v4.1: 1 of 1,607,428 alleles (0.000062%); no homozygotes.

Submission:

Myriad Genetics, Inc.
Classification: Likely pathogenic for Polyglandular autoimmune syndrome, type 1. Last evaluated: 2020-01-15. Review status: criteria provided, single submitter. Criteria: Myriad Women's Health Autosomal Recessive and X-Linked Classification Criteria (2019). Collection method: clinical testing. Allele origin: unknown.
Comment: NM_000383.3(AIRE):c.637C>T(Q213*) is expected to be pathogenic in the context of autoimmune polyglandular syndrome type 1. This variant is predicted to lead to an abnormal or absent protein product due to the creation of a premature termination codon in AIRE, a gene where loss-of-function variants are known to be pathogenic. Please note: this variant was assessed in the context of healthy population screening.